The following is an entry in ClinVar:

NM_000344.4(SMN1):c.835-19T>A

Gene: SMN1 (survival of motor neuron 1, telomeric). Cytogenetic location: 5q13.2.
Variant type: single nucleotide variant.
Coding change: c.835-19T>A on transcript NM_000344.4 (MANE Select); 19 bases into the intron before coding-DNA position 835, T replaced by A.
Molecular consequence: intron variant.
Genome position (GRCh38, 1-based): chr5:70,951,922, T>A. VCF-style: chr5-70951922-T-A. GRCh37 (hg19) VCF-style: chr5-70247749-T-A.
Other names: c.835-517T>A (NM_001297715.1); c.739-19T>A (NM_022874.2).
Identifiers: ClinVar variation 984453 (VCV000984453.1), dbSNP rs1749768312, ClinGen allele CA1139658877.

ClinVar aggregate classification (germline): Uncertain significance (1 of 4 stars; one submission).

Allele frequency attached by ClinVar (database versions not stated): gnomAD exomes below 0.00001.
gnomAD v4.1: 1 of 1,610,622 alleles (0.000062%); highest among the groups gnomAD compares: Non-Finnish European, 0.000085%; no homozygotes.

Submission:

Women's Health and Genetics/Laboratory Corporation of America, LabCorp
Classification: Uncertain significance. Last evaluated: 2020-10-21. Review status: criteria provided, single submitter. Criteria: LabCorp Variant Classification Summary - May 2015. Collection method: clinical testing. Allele origin: germline.
Comment: Variant summary: SMN1 c.835-19T>A alters a nucleotide located close to a canonical splice site and therefore could affect mRNA splicing, leading to a significantly altered protein sequence. 4/4 computational tools predict no significant impact on normal splicing. However, these predictions have yet to be confirmed by functional studies. The variant was absent in 247454 control chromosomes. The available data on variant occurrences in the general population are insufficient to allow any conclusion about variant significance. To our knowledge, no occurrence of c.835-19T>A in individuals affected with Spinal Muscular Atrophy and no experimental evidence demonstrating its impact on protein function have been reported. No clinical diagnostic laboratories have submitted clinical-significance assessments for this variant to ClinVar after 2014. Based on the evidence outlined above, the variant was classified as uncertain significance.